The following is an entry in ClinVar:

ClinVar aggregate classification (germline): Uncertain significance. Review status: criteria provided, multiple submitters, no conflicts (2 of 4 stars). 2 submissions from 2 submitters: Uncertain significance (2). Last evaluated 2026-03-21.

Conditions:
Familial thoracic aortic aneurysm and aortic dissection (TAAD). Also called: Thoracic aortic aneurysms and dissections. Identifiers: Orphanet 91387, MedGen C4707243, MONDO:0019625.

Submissions (2):

Ambry Genetics
Classification: Uncertain significance for Familial thoracic aortic aneurysm and aortic dissection. Last evaluated: 2026-03-21. Review status: criteria provided, single submitter. Criteria: Ambry Variant Classification Scheme 2023. Collection method: clinical testing. Allele origin: germline.
Comment: The p.E624Q variant (also known as c.1870G>C), located in coding exon 6 of the SKI gene, results from a G to C substitution at nucleotide position 1870. The glutamic acid at codon 624 is replaced by glutamine, an amino acid with highly similar properties. This amino acid position is conserved. In addition, the in silico prediction for this alteration is inconclusive. Based on the available evidence, the clinical significance of this variant remains unclear.

GeneDx
Classification: Uncertain significance. Last evaluated: 2024-05-21. Review status: criteria provided, single submitter. Criteria: GeneDx Variant Classification Process June 2021. Collection method: clinical testing. Allele origin: germline. Affected: yes.
Comment: In silico analysis indicates that this missense variant does not alter protein structure/function; Has not been previously published as pathogenic or benign to our knowledge; Not observed at significant frequency in large population cohorts (gnomAD)

NM_003036.4(SKI):c.1870G>C (p.Glu624Gln)

Gene: SKI (SKI proto-oncogene; plus strand). Cytogenetic location: 1p36.32.
Variant type: single nucleotide variant.
Coding change: c.1870G>C on transcript NM_003036.4 (MANE Select); coding-DNA position 1870, G replaced by C.
Protein change: p.Glu624Gln; replaces glutamic acid 624 with glutamine.
Molecular consequence: missense variant.
Genome position (GRCh38, 1-based): chr1:2,306,122, G>C. VCF-style: chr1-2306122-G-C. GRCh37 (hg19) VCF-style: chr1-2237561-G-C.
Other names: short protein forms E624Q.
Identifiers: ClinVar variation 1309472 (VCV001309472.4), dbSNP rs1380239367, ClinGen allele CA337958838.